The following is an entry in ClinVar:

ClinVar aggregate classification (germline): Uncertain significance (1 of 4 stars; one submission).

Conditions:
Hereditary motor and sensory neuropathy, Okinawa type (HMSNO). Also called: HEREDITARY MOTOR AND SENSORY NEUROPATHY, PROXIMAL TYPE. Identifiers: Orphanet 90117, MedGen C1858338, MONDO:0011468, OMIM 604484.
Hereditary spastic paraplegia 57. Also called: Spastic paraplegia 57, autosomal recessive. Identifiers: Orphanet 431329, MedGen C3714897, MONDO:0014295, OMIM 615658.

Submission:

Labcorp Genetics (formerly Invitae), Labcorp
Classification: Uncertain significance for Hereditary motor and sensory neuropathy, Okinawa type; Hereditary spastic paraplegia 57. Last evaluated: 2023-10-03. Review status: criteria provided, single submitter. Criteria: Invitae Variant Classification Sherloc (09022015). Collection method: clinical testing. Allele origin: germline.
Comment: This sequence change replaces glycine, which is neutral and non-polar, with glutamic acid, which is acidic and polar, at codon 396 of the TFG protein (p.Gly396Glu). This variant is not present in population databases (gnomAD no frequency). This variant has not been reported in the literature in individuals affected with TFG-related conditions. Advanced modeling of protein sequence and biophysical properties (such as structural, functional, and spatial information, amino acid conservation, physicochemical variation, residue mobility, and thermodynamic stability) performed at Invitae indicates that this missense variant is not expected to disrupt TFG protein function. In summary, the available evidence is currently insufficient to determine the role of this variant in disease. Therefore, it has been classified as a Variant of Uncertain Significance.

NM_006070.6(TFG):c.1187G>A (p.Gly396Glu)

Gene: TFG (trafficking from ER to golgi regulator; plus strand). Cytogenetic location: 3q12.2.
Variant type: single nucleotide variant.
Coding change: c.1187G>A on transcript NM_006070.6 (MANE Select); coding-DNA position 1187, G replaced by A.
Protein change: p.Gly396Glu; replaces glycine 396 with glutamic acid.
Molecular consequence: missense variant.
Genome position (GRCh38, 1-based): chr3:100,748,515, G>A. VCF-style: chr3-100748515-G-A. GRCh37 (hg19) VCF-style: chr3-100467359-G-A.
Other names: c.1187G>A, p.Gly396Glu (NM_001007565.2, NM_001195478.2); c.1175G>A, p.Gly392Glu (NM_001195479.2); short protein forms G396E, G392E.
Identifiers: ClinVar variation 2952418 (VCV002952418.3), dbSNP rs2472159971, ClinGen allele CA353854782.